The following is an entry in ClinVar:

NM_001134407.3(GRIN2A):c.1348A>T (p.Met450Leu)

Gene: GRIN2A (glutamate ionotropic receptor NMDA type subunit 2A; minus strand). Cytogenetic location: 16p13.2.
Variant type: single nucleotide variant.
Coding change: c.1348A>T on transcript NM_001134407.3 (MANE Select); coding-DNA position 1348, A replaced by T.
Protein change: p.Met450Leu; replaces methionine 450 with leucine.
Molecular consequence: missense variant.
Genome position (GRCh38, 1-based): chr16:9,841,085, T>A on the plus strand (A>T on the coding strand, the complement: GRIN2A is on the minus strand). VCF-style: chr16-9841085-T-A. GRCh37 (hg19) VCF-style: chr16-9934942-T-A.
Other names: c.1348A>T, p.Met450Leu (NM_001134408.2, NM_000833.5); short protein forms M450L.
Identifiers: ClinVar variation 1034895 (VCV001034895.1), dbSNP rs2042669462, ClinGen allele CA394800860.

ClinVar aggregate classification (germline): Uncertain significance (1 of 4 stars; one submission).

Conditions:
Landau-Kleffner syndrome (FESD). Also called: APHASIA, ACQUIRED, WITH EPILEPSY; EPILEPSY, FOCAL, WITH SPEECH DISORDER AND WITH OR WITHOUT MENTAL RETARDATION. Identifiers: Orphanet 1945, Orphanet 725, Orphanet 98818, MedGen C0282512, MONDO:0009509, OMIM 245570.

Allele frequency attached by ClinVar (database versions not stated): TOPMed below 0.00001; gnomAD 0.00001.
gnomAD v4.1: 1 of 1,613,334 alleles (0.000062%); highest among the groups gnomAD compares: Non-Finnish European, 0.000085%; no homozygotes.

Submission:

Labcorp Genetics (formerly Invitae), Labcorp
Classification: Uncertain significance for Landau-Kleffner syndrome. Last evaluated: 2020-05-04. Review status: criteria provided, single submitter. Criteria: Invitae Variant Classification Sherloc (09022015). Collection method: clinical testing. Allele origin: germline.
Comment: This sequence change replaces methionine with leucine at codon 450 of the GRIN2A protein (p.Met450Leu). The methionine residue is weakly conserved and there is a small physicochemical difference between methionine and leucine. This variant is not present in population databases (ExAC no frequency). This variant has not been reported in the literature in individuals with GRIN2A-related conditions. Algorithms developed to predict the effect of missense changes on protein structure and function (SIFT, PolyPhen-2, Align-GVGD) all suggest that this variant is likely to be tolerated, but these predictions have not been confirmed by published functional studies and their clinical significance is uncertain. In summary, the available evidence is currently insufficient to determine the role of this variant in disease. Therefore, it has been classified as a Variant of Uncertain Significance.